The following is an entry in ClinVar:

NM_005188.4(CBL):c.1795C>G (p.Pro599Ala)

Gene: CBL (Cbl proto-oncogene; plus strand). Cytogenetic location: 11q23.3.
Variant type: single nucleotide variant.
Coding change: c.1795C>G on transcript NM_005188.4 (MANE Select); coding-DNA position 1795, C replaced by G.
Protein change: p.Pro599Ala; replaces proline 599 with alanine.
Molecular consequence: missense variant.
Genome position (GRCh38, 1-based): chr11:119,285,420, C>G. VCF-style: chr11-119285420-C-G. GRCh37 (hg19) VCF-style: chr11-119156130-C-G.
Other names: c.1795C>G (NM_005188.2); short protein forms P599A.
Identifiers: ClinVar variation 878962 (VCV000878962.10), dbSNP rs1340017837, ClinGen allele CA382920420.

ClinVar aggregate classification (germline): Uncertain significance. Review status: criteria provided, multiple submitters, no conflicts (2 of 4 stars). 3 submissions from 3 submitters: Uncertain significance (3). Last evaluated 2024-12-08.

Conditions:
Cardiovascular phenotype. Identifiers: MedGen CN230736.
RASopathy. Also called: rasopathies; Noonan spectrum disorder. Identifiers: Orphanet 536391, MedGen C5555857, MONDO:0021060.
CBL-related disorder. Also called: CBL MUTATION-ASSOCIATED SYNDROME; CBL SYNDROME; NOONAN SYNDROME-LIKE DISORDER WITHOUT JUVENILE MYELOMONOCYTIC LEUKEMIA. Identifiers: Orphanet 363972, MedGen C3150803, MONDO:0013308, OMIM 613563.

Allele frequency attached by ClinVar (database versions not stated): gnomAD exomes below 0.00001 and 0.00001.
gnomAD v4.1: 10 of 1,614,170 alleles (0.00062%); highest among the groups gnomAD compares: Non-Finnish European, 0.00085%; no homozygotes.

Submissions (3):

Labcorp Genetics (formerly Invitae), Labcorp
Classification: Uncertain significance for RASopathy. Last evaluated: 2024-12-08. Review status: criteria provided, single submitter. Criteria: Invitae Variant Classification Sherloc (09022015). Collection method: clinical testing. Allele origin: germline.
Comment: This sequence change replaces proline, which is neutral and non-polar, with alanine, which is neutral and non-polar, at codon 599 of the CBL protein (p.Pro599Ala). This variant is present in population databases (no rsID available, gnomAD 0.0009%). This variant has not been reported in the literature in individuals affected with CBL-related conditions. ClinVar contains an entry for this variant (Variation ID: 878962). Invitae Evidence Modeling of protein sequence and biophysical properties (such as structural, functional, and spatial information, amino acid conservation, physicochemical variation, residue mobility, and thermodynamic stability) indicates that this missense variant is not expected to disrupt CBL protein function with a negative predictive value of 95%. In summary, the available evidence is currently insufficient to determine the role of this variant in disease. Therefore, it has been classified as a Variant of Uncertain Significance.

Ambry Genetics
Classification: Uncertain significance for Cardiovascular phenotype. Last evaluated: 2024-11-27. Review status: criteria provided, single submitter. Criteria: Ambry Variant Classification Scheme 2023. Collection method: clinical testing. Allele origin: germline.
Comment: The p.P599A variant (also known as c.1795C>G), located in coding exon 11 of the CBL gene, results from a C to G substitution at nucleotide position 1795. The proline at codon 599 is replaced by alanine, an amino acid with highly similar properties. This amino acid position is conserved. In addition, the in silico prediction for this alteration is inconclusive. Based on the available evidence, the clinical significance of this variant remains unclear.

Illumina Laboratory Services, Illumina
Classification: Uncertain significance for CBL-related disorder. Last evaluated: 2018-01-13. Review status: criteria provided, single submitter. Criteria: ICSL Variant Classification Criteria 13 December 2019. Collection method: clinical testing. Allele origin: germline.